The following is an entry in ClinVar:

ClinVar aggregate classification (germline): Uncertain significance (1 of 4 stars; one submission).

Conditions:
Cardiovascular phenotype. Identifiers: MedGen CN230736.

Submission:

Ambry Genetics
Classification: Uncertain significance for Cardiovascular phenotype. Last evaluated: 2024-12-17. Review status: criteria provided, single submitter. Criteria: Ambry Variant Classification Scheme 2023. Collection method: clinical testing. Allele origin: germline.
Comment: The p.T4041I variant (also known as c.12122C>T), located in coding exon 29 of the APOB gene, results from a C to T substitution at nucleotide position 12122. The threonine at codon 4041 is replaced by isoleucine, an amino acid with similar properties. This amino acid position is conserved. In addition, this alteration is predicted to be tolerated by in silico analysis. Based on the available evidence, the clinical significance of this variant remains unclear.

NM_000384.3(APOB):c.12122C>T (p.Thr4041Ile)

Gene: APOB (apolipoprotein B; minus strand). Cytogenetic location: 2p24.1.
Variant type: single nucleotide variant.
Coding change: c.12122C>T on transcript NM_000384.3 (MANE Select); coding-DNA position 12122, C replaced by T.
Protein change: p.Thr4041Ile; replaces threonine 4041 with isoleucine.
Molecular consequence: missense variant.
Genome position (GRCh38, 1-based): chr2:21,003,300, G>A on the plus strand (C>T on the coding strand, the complement: APOB is on the minus strand). VCF-style: chr2-21003300-G-A. GRCh37 (hg19) VCF-style: chr2-21226172-G-A.
Other names: short protein forms T4041I.
Identifiers: ClinVar variation 3884725 (VCV003884725.1).
Genomic context (GRCh38, chr2:21,003,300, plus strand): 5'-TCTTCTTCCCAATTAACTTTGATCTGAGTTTCCTCATCAGATTCCCGGACCCTCAACTCA[G>A]TTTTGAATATGGTGAGTTTTTTATCTGGAGAGGACTAAACAGAGAGAAAAAAAAAAATAA-3'
Protein context (NP_000375.3, residues 4031-4051): SPDKKLTIFK[Thr4041Ile]ELRVRESDEE